The following is an entry in ClinVar:

ClinVar aggregate classification (germline): Pathogenic. Review status: criteria provided, multiple submitters, no conflicts (2 of 4 stars). 2 submissions from 2 submitters: Pathogenic (2). Last evaluated 2020-12-31.

Conditions:
Polycystic kidney disease, adult type (PKD1). Also called: POLYCYSTIC KIDNEY DISEASE 1 WITH OR WITHOUT POLYCYSTIC LIVER DISEASE; Polycystic Kidney Disease 1, Autosomal Dominant; Polycystic kidney disease 1; Polycystic kidney disease 1, severe; Polycystic Kidney, Autosomal Dominant; POLYCYSTIC KIDNEY DISEASE, ADULT, TYPE I. Identifiers: MedGen C3149841, MONDO:0008263, OMIM 173900.

Submissions (2):

Athena Diagnostics
Classification: Pathogenic. Last evaluated: 2020-12-31. Review status: criteria provided, single submitter. Criteria: Athena Diagnostics criteria. Collection method: clinical testing. Allele origin: unknown.
Comment: This variant is expected to result in the loss of a functional protein. This variant has not been reported in large, multi-ethnic general populations. This variant has been identified in at least one individual with clinical features associated with this gene.

Cavalleri Lab, Royal College of Surgeons in Ireland
Classification: Pathogenic for Polycystic kidney disease, adult type. Last evaluated: 2020-02-05. Review status: criteria provided, single submitter. Criteria: ACMG Guidelines, 2015. Collection method: research. Allele origin: unknown. Inheritance: Autosomal dominant inheritance. Affected: yes.
Comment: PVS1, PM2, PP4, PP5

NM_001009944.3(PKD1):c.8045C>A (p.Ser2682Ter)

Gene: PKD1 (polycystin 1, transient receptor potential channel interacting; minus strand). Cytogenetic location: 16p13.3.
Variant type: single nucleotide variant.
Coding change: c.8045C>A on transcript NM_001009944.3 (MANE Select); coding-DNA position 8045, C replaced by A.
Protein change: p.Ser2682Ter; replaces serine 2682 with a stop codon.
Molecular consequence: nonsense.
Genome position (GRCh38, 1-based): chr16:2,104,614, G>T on the plus strand (C>A on the coding strand, the complement: PKD1 is on the minus strand). VCF-style: chr16-2104614-G-T. GRCh37 (hg19) VCF-style: chr16-2154615-G-T.
Other names: c.8045C>A, p.Ser2682Ter (NM_000296.4); c.8045C>A (NM_000296.3); short protein forms S2682*.
Identifiers: ClinVar variation 873404 (VCV000873404.2), dbSNP rs151308544, ClinGen allele CA394365573.